The following is an entry in ClinVar:

ClinVar aggregate classification (germline): Uncertain significance. Review status: criteria provided, multiple submitters, no conflicts (2 of 4 stars). 2 submissions from 2 submitters: Uncertain significance (2). Last evaluated 2026-01-22.

Conditions:
RASopathy. Also called: Noonan spectrum disorder; rasopathies. Identifiers: Orphanet 536391, MedGen C5555857, MONDO:0021060.
Cardiovascular phenotype. Identifiers: MedGen CN230736.

Allele frequency attached by ClinVar (database versions not stated): gnomAD exomes below 0.00001.
gnomAD v4.1: 1 of 1,613,004 alleles (0.000062%); highest among the groups gnomAD compares: South Asian, 0.0011%; no homozygotes.

Submissions (2):

Ambry Genetics
Classification: Uncertain significance for Cardiovascular phenotype. Last evaluated: 2026-01-22. Review status: criteria provided, single submitter. Criteria: Ambry Variant Classification Scheme 2023. Collection method: clinical testing. Allele origin: germline.
Comment: The p.G453E variant (also known as c.1358G>A), located in coding exon 11 of the PTPN11 gene, results from a G to A substitution at nucleotide position 1358. The glycine at codon 453 is replaced by glutamic acid, an amino acid with similar properties. This amino acid position is conserved. In addition, this alteration is predicted to be deleterious by in silico analysis. Based on the available evidence, the clinical significance of this variant remains unclear.

Labcorp Genetics (formerly Invitae), Labcorp
Classification: Uncertain significance for RASopathy. Last evaluated: 2024-12-16. Review status: criteria provided, single submitter. Criteria: Invitae Variant Classification Sherloc (09022015). Collection method: clinical testing. Allele origin: germline.
Comment: This sequence change replaces glycine, which is neutral and non-polar, with glutamic acid, which is acidic and polar, at codon 453 of the PTPN11 protein (p.Gly453Glu). This variant is not present in population databases (gnomAD no frequency). This variant has not been reported in the literature in individuals affected with PTPN11-related conditions. ClinVar contains an entry for this variant (Variation ID: 2164759). Invitae Evidence Modeling of protein sequence and biophysical properties (such as structural, functional, and spatial information, amino acid conservation, physicochemical variation, residue mobility, and thermodynamic stability) indicates that this missense variant is expected to disrupt PTPN11 protein function with a positive predictive value of 95%. In summary, the available evidence is currently insufficient to determine the role of this variant in disease. Therefore, it has been classified as a Variant of Uncertain Significance.

NM_002834.5(PTPN11):c.1358G>A (p.Gly453Glu)

Gene: PTPN11 (protein tyrosine phosphatase non-receptor type 11; plus strand). Cytogenetic location: 12q24.13.
Variant type: single nucleotide variant.
Coding change: c.1358G>A on transcript NM_002834.5 (MANE Select); coding-DNA position 1358, G replaced by A.
Protein change: p.Gly453Glu; replaces glycine 453 with glutamic acid.
Molecular consequence: missense variant.
Genome position (GRCh38, 1-based): chr12:112,486,608, G>A. VCF-style: chr12-112486608-G-A. GRCh37 (hg19) VCF-style: chr12-112924412-G-A.
Other names: c.1370G>A, p.Gly457Glu (NM_001330437.2); c.1355G>A, p.Gly452Glu (NM_001374625.1); c.1358G>A, p.Gly453Glu (NM_080601.3); short protein forms G453E, G457E, G452E.
Identifiers: ClinVar variation 2164759 (VCV002164759.5), dbSNP rs2540462294, ClinGen allele CA386777676.